The following is an entry in ClinVar:

ClinVar aggregate classification (germline): Uncertain significance (1 of 4 stars; one submission).

Conditions:
Hereditary cancer-predisposing syndrome. Also called: Tumor predisposition; Hereditary neoplastic syndrome; Hereditary Cancer Syndrome; Neoplastic Syndromes, Hereditary. Identifiers: Orphanet 140162, MedGen C0027672, MeSH D009386, MONDO:0015356.

Submission:

Ambry Genetics
Classification: Uncertain significance for Hereditary cancer-predisposing syndrome. Last evaluated: 2023-10-23. Review status: criteria provided, single submitter. Criteria: Ambry Variant Classification Scheme 2023. Collection method: clinical testing. Allele origin: germline.
Comment: The p.T937A variant (also known as c.2809A>G), located in coding exon 20 of the MSH3 gene, results from an A to G substitution at nucleotide position 2809. The threonine at codon 937 is replaced by alanine, an amino acid with similar properties. This amino acid position is conserved. In addition, the in silico prediction for this alteration is inconclusive. Since supporting evidence is limited at this time, the clinical significance of this alteration remains unclear.

NM_002439.5(MSH3):c.2809A>G (p.Thr937Ala)

Gene: MSH3 (mutS homolog 3; plus strand). Cytogenetic location: 5q14.1.
Variant type: single nucleotide variant.
Coding change: c.2809A>G on transcript NM_002439.5 (MANE Select); coding-DNA position 2809, A replaced by G.
Protein change: p.Thr937Ala; replaces threonine 937 with alanine.
Molecular consequence: missense variant.
Genome position (GRCh38, 1-based): chr5:80,813,737, A>G. VCF-style: chr5-80813737-A-G. GRCh37 (hg19) VCF-style: chr5-80109556-A-G.
Other names: short protein forms T937A.
Identifiers: ClinVar variation 3222279 (VCV003222279.1), dbSNP rs2546797466, ClinGen allele CA360274119.